The following is an entry in ClinVar:

ClinVar aggregate classification (germline): Uncertain significance. Review status: criteria provided, multiple submitters, no conflicts (2 of 4 stars). 3 submissions from 3 submitters: Uncertain significance (2). 1 of the submissions does not count toward it. Last evaluated 2024-06-18.

Conditions:
Inborn genetic diseases. Identifiers: MedGen C0950123, MeSH D030342.
AGRN-related disorder. Also called: AGRN-related condition.
Congenital myasthenic syndrome 8. Also called: MYASTHENIC SYNDROME, CONGENITAL, DUE TO AGRIN DEFICIENCY; Myasthenic syndrome, congenital, 8, with pre- and postsynaptic defects. Identifiers: Orphanet 590, MedGen C3808739, MONDO:0014052, OMIM 615120.

Allele frequency attached by ClinVar (database versions not stated): TOPMed 0.00002.

Submissions (3):

Ambry Genetics
Classification: Uncertain significance for Inborn genetic diseases. Last evaluated: 2024-06-18. Review status: criteria provided, single submitter. Criteria: Ambry Variant Classification Scheme 2023. Collection method: clinical testing. Allele origin: germline.

Labcorp Genetics (formerly Invitae), Labcorp
Classification: Uncertain significance for Congenital myasthenic syndrome 8. Last evaluated: 2021-08-26. Review status: criteria provided, single submitter. Criteria: Invitae Variant Classification Sherloc (09022015). Collection method: clinical testing. Allele origin: germline.
Comment: This sequence change replaces arginine with leucine at codon 1308 of the AGRN protein (p.Arg1308Leu). The arginine residue is moderately conserved and there is a moderate physicochemical difference between arginine and leucine. This variant is present in population databases (rs771823174, ExAC 0.01%). This variant has not been reported in the literature in individuals affected with AGRN-related conditions. Algorithms developed to predict the effect of missense changes on protein structure and function are either unavailable or do not agree on the potential impact of this missense change (SIFT: "Deleterious"; PolyPhen-2: "Possibly Damaging"; Align-GVGD: "Class C0"). In summary, the available evidence is currently insufficient to determine the role of this variant in disease. Therefore, it has been classified as a Variant of Uncertain Significance.

PreventionGenetics, part of Exact Sciences
Classification: Uncertain significance for AGRN-related condition. Last evaluated: 2023-12-21. Review status: no assertion criteria provided. Collection method: clinical testing. Allele origin: germline. Not counted in ClinVar's aggregate classification.
Comment: The AGRN c.3923G>T variant is predicted to result in the amino acid substitution p.Arg1308Leu. To our knowledge, this variant has not been reported in the literature. This variant is reported in 0.0067% of alleles in individuals of European (Non-Finnish) descent in gnomAD. At this time, the clinical significance of this variant is uncertain due to the absence of conclusive functional and genetic evidence.

NM_198576.4(AGRN):c.3923G>T (p.Arg1308Leu)

Gene: AGRN (agrin; plus strand). Cytogenetic location: 1p36.33.
Variant type: single nucleotide variant.
Coding change: c.3923G>T on transcript NM_198576.4 (MANE Select); coding-DNA position 3923, G replaced by T.
Protein change: p.Arg1308Leu; replaces arginine 1308 with leucine.
Molecular consequence: missense variant.
Genome position (GRCh38, 1-based): chr1:1,048,183, G>T. VCF-style: chr1-1048183-G-T. GRCh37 (hg19) VCF-style: chr1-983563-G-T.
Other names: c.3923G>T, p.Arg1308Leu (NM_001305275.2); c.3608G>T, p.Arg1203Leu (NM_001364727.2); short protein forms R1203L, R1308L.
Identifiers: ClinVar variation 650420 (VCV000650420.10), dbSNP rs771823174, ClinGen allele CA509276.